The following is an entry in ClinVar:

NM_002972.4(SBF1):c.3826+1G>A

Gene: SBF1 (SET binding factor 1; minus strand). Cytogenetic location: 22q13.33.
Variant type: single nucleotide variant.
Coding change: c.3826+1G>A on transcript NM_002972.4 (MANE Select); the canonical splice donor site of the intron after coding-DNA position 3826, G replaced by A.
Molecular consequence: splice donor variant.
Genome position (GRCh38, 1-based): chr22:50,459,254, C>T on the plus strand (G>A on the coding strand, the complement: SBF1 is on the minus strand). VCF-style: chr22-50459254-C-T. GRCh37 (hg19) VCF-style: chr22-50897683-C-T.
Other names: c.3826+1G>A (NM_001410795.1); c.3829+1G>A (NM_001365819.1, NM_001410794.1).
Identifiers: ClinVar variation 807487 (VCV000807487.47), dbSNP rs1009209509, ClinGen allele CA325531587.

ClinVar aggregate classification (germline): Pathogenic/Likely pathogenic. Review status: criteria provided, multiple submitters, no conflicts (2 of 4 stars). 6 submissions from 6 submitters: Pathogenic (2); Likely pathogenic (4). Last evaluated 2025-07-16.

Conditions:
Charcot-Marie-Tooth disease type 4B3. Also called: Charcot-Marie-Tooth Neuropathy Type 4B3; CHARCOT-MARIE-TOOTH DISEASE, DEMYELINATING, TYPE 4B3. Identifiers: Orphanet 363981, MedGen C3695063, MONDO:0014117, OMIM 615284.
SBF1-related disorder. Also called: SBF1-related condition.

Allele frequency attached by ClinVar (database versions not stated): gnomAD exomes below 0.00001 and 0.00002; TOPMed 0.00002.
gnomAD v4.1: 23 of 1,597,752 alleles (0.0014%); highest among the groups gnomAD compares: Non-Finnish European, 0.0018%; no homozygotes.

Submissions (6):

3billion
Classification: Pathogenic for Charcot-Marie-Tooth disease type 4B3. Last evaluated: 2025-07-16. Review status: criteria provided, single submitter. Criteria: ACMG Guidelines, 2015. Collection method: clinical testing. Allele origin: germline. Affected: yes.
Comment: The variant is observed at an extremely low frequency in the gnomAD v4.1.0 dataset (total allele frequency: 0.002%). Predicted Consequence/Location: Canonical splice site: predicted to alter splicing and result in a loss or disruption of normal protein function. Multiple pathogenic loss-of-function variants are reported downstream of the variant. In silico tools predict the variant to alter splicing and produce an abnormal transcript [SpliceAI: 0.99 (spliceogenicity >=0.2, non-spliceogenicity <0.1)]. The variant has been reported at least twice as pathogenic with clinical assertions and evidence for the classification (ClinVar ID: VCV000807487 /PMID: 28902413). Therefore, this variant is classified as Pathogenic according to the recommendation of ACMG/AMP guideline.

Labcorp Genetics (formerly Invitae), Labcorp
Classification: Pathogenic. Last evaluated: 2025-06-04. Review status: criteria provided, single submitter. Criteria: Invitae Variant Classification Sherloc (09022015). Collection method: clinical testing. Allele origin: germline.
Comment: This sequence change affects a donor splice site in intron 28 of the SBF1 gene. It is expected to disrupt RNA splicing. Variants that disrupt the donor or acceptor splice site typically lead to a loss of protein function (PMID: 16199547), and loss-of-function variants in SBF1 are known to be pathogenic (PMID: 28005197, 28902413). This variant is not present in population databases (gnomAD no frequency). Disruption of this splice site has been observed in individuals with clinical features of Charcot-Marie-Tooth disease (PMID: 28902413, 38127101; internal data). ClinVar contains an entry for this variant (Variation ID: 807487). Algorithms developed to predict the effect of sequence changes on RNA splicing suggest that this variant may disrupt the consensus splice site. For these reasons, this variant has been classified as Pathogenic.

Blueprint Genetics
Classification: Likely pathogenic for SBF1-related disorders. Last evaluated: 2024-03-08. Review status: criteria provided, single submitter. Criteria: ACMG Guidelines, 2015. Collection method: clinical testing. Allele origin: germline. Affected: yes. Observed: 4 variant alleles.

CeGaT Center for Human Genetics Tuebingen
Classification: Likely pathogenic. Last evaluated: 2023-04-01. Review status: criteria provided, single submitter. Criteria: CeGaT Center For Human Genetics Tuebingen Variant Classification Criteria Version 2. Collection method: clinical testing. Allele origin: germline. Affected: yes. Observed: 2 variant alleles.
Comment: SBF1: PVS1:Strong, PM2

Centre for Mendelian Genomics, University Medical Centre Ljubljana
Classification: Likely pathogenic for Charcot-Marie-Tooth disease type 4B3. Last evaluated: 2020-02-20. Review status: criteria provided, single submitter. Criteria: ACMG Guidelines, 2015. Collection method: clinical testing. Allele origin: unknown. Affected: yes.
Comment: This variant was classified as: Likely pathogenic. The following ACMG criteria were applied in classifying this variant: PVS1,PM2.

Institute of Human Genetics Munich, TUM University Hospital
Classification: Likely pathogenic for Charcot-Marie-Tooth disease type 4B3. Last evaluated: 2020-01-14. Review status: criteria provided, single submitter. Criteria: Classification criteria August 2017. Collection method: clinical testing. Allele origin: germline. Inheritance: Autosomal recessive inheritance. Affected: yes. Observed: 1 homozygote.

Literature cited by the submitters: PubMed 28902413 (cited by 3billion and Labcorp Genetics (formerly Invitae), Labcorp); PubMed 16199547 (cited by Labcorp Genetics (formerly Invitae), Labcorp); PubMed 28005197 (cited by Labcorp Genetics (formerly Invitae), Labcorp); PubMed 38127101 (cited by Labcorp Genetics (formerly Invitae), Labcorp).